The following is an entry in ClinVar:

NM_017613.4(DONSON):c.1340A>G (p.Gln447Arg)

Gene: DONSON (DNA replication fork stabilization factor DONSON; minus strand). Cytogenetic location: 21q22.11.
Variant type: single nucleotide variant.
Coding change: c.1340A>G on transcript NM_017613.4 (MANE Select); coding-DNA position 1340, A replaced by G.
Protein change: p.Gln447Arg; replaces glutamine 447 with arginine.
Molecular consequence: missense variant.
Genome position (GRCh38, 1-based): chr21:33,581,312, T>C on the plus strand (A>G on the coding strand, the complement: DONSON is on the minus strand). VCF-style: chr21-33581312-T-C. GRCh37 (hg19) VCF-style: chr21-34953618-T-C.
Other names: c.1340A>G (NM_017613.2); short protein forms Q447R.
Identifiers: ClinVar variation 1525346 (VCV001525346.4), dbSNP rs138335198, ClinGen allele CA10010355.

ClinVar aggregate classification (germline): Uncertain significance. Review status: criteria provided, multiple submitters, no conflicts (2 of 4 stars). 2 submissions from 2 submitters: Uncertain significance (2). Last evaluated 2022-05-05.

Conditions:
Inborn genetic diseases. Identifiers: MedGen C0950123, MeSH D030342.

Allele frequency attached by ClinVar (database versions not stated): ExAC 0.00015; gnomAD 0.00018 and 0.00020; gnomAD exomes 0.00018 and 0.00037; TOPMed 0.00022; ESP Exome Variant Server 0.00038.
gnomAD v4.1: 564 of 1,613,994 alleles (0.035%); highest among the groups gnomAD compares: Non-Finnish European, 0.046%; no homozygotes.

Submissions (2):

Labcorp Genetics (formerly Invitae), Labcorp
Classification: Uncertain significance. Last evaluated: 2022-05-05. Review status: criteria provided, single submitter. Criteria: Invitae Variant Classification Sherloc (09022015). Collection method: clinical testing. Allele origin: germline.
Comment: This sequence change replaces glutamine, which is neutral and polar, with arginine, which is basic and polar, at codon 447 of the DONSON protein (p.Gln447Arg). This variant is present in population databases (rs138335198, gnomAD 0.03%). This variant has not been reported in the literature in individuals affected with DONSON-related conditions. Algorithms developed to predict the effect of missense changes on protein structure and function are either unavailable or do not agree on the potential impact of this missense change (SIFT: "Tolerated"; PolyPhen-2: "Possibly Damaging"; Align-GVGD: "Class C0"). In summary, the available evidence is currently insufficient to determine the role of this variant in disease. Therefore, it has been classified as a Variant of Uncertain Significance.

Ambry Genetics
Classification: Uncertain significance for Inborn genetic diseases. Last evaluated: 2020-12-11. Review status: criteria provided, single submitter. Criteria: Ambry Variant Classification Scheme 2023. Collection method: clinical testing. Allele origin: germline.
Comment: The c.1340A>G (p.Q447R) alteration is located in exon 8 (coding exon 8) of the DONSON gene. This alteration results from a A to G substitution at nucleotide position 1340, causing the glutamine (Q) at amino acid position 447 to be replaced by an arginine (R). The p.Q447R alteration is predicted to be tolerated by in silico analysis. Based on insufficient or conflicting evidence, the clinical significance of this alteration remains unclear.